The following is an entry in ClinVar:

ClinVar aggregate classification (germline): Uncertain significance (1 of 4 stars; one submission).

Allele frequency attached by ClinVar (database versions not stated): TOPMed below 0.00001.

Submission:

CeGaT Center for Human Genetics Tuebingen
Classification: Uncertain significance. Last evaluated: 2022-09-01. Review status: criteria provided, single submitter. Criteria: CeGaT Center For Human Genetics Tuebingen Variant Classification Criteria Version 2. Collection method: clinical testing. Allele origin: germline. Affected: yes. Observed: 1 variant allele.
Comment: TRIO: PM2

NM_007118.4(TRIO):c.7666A>G (p.Met2556Val)

Gene: TRIO (trio Rho guanine nucleotide exchange factor; plus strand). Cytogenetic location: 5p15.2.
Variant type: single nucleotide variant.
Coding change: c.7666A>G on transcript NM_007118.4 (MANE Select); coding-DNA position 7666, A replaced by G.
Protein change: p.Met2556Val; replaces methionine 2556 with valine.
Molecular consequence: missense variant. On other transcripts: non-coding transcript variant (1).
Genome position (GRCh38, 1-based): chr5:14,492,600, A>G. VCF-style: chr5-14492600-A-G. GRCh37 (hg19) VCF-style: chr5-14492709-A-G.
Other names: short protein forms M2556V.
Identifiers: ClinVar variation 2655351 (VCV002655351.24), dbSNP rs955511080, ClinGen allele CA114005933.